The following is an entry in ClinVar:

NM_001348800.3(ZBTB20):c.896A>G (p.Glu299Gly)

Gene: ZBTB20 (zinc finger and BTB domain containing 20; minus strand). Cytogenetic location: 3q13.31.
Variant type: single nucleotide variant.
Coding change: c.896A>G on transcript NM_001348800.3 (MANE Select); coding-DNA position 896, A replaced by G.
Protein change: p.Glu299Gly; replaces glutamic acid 299 with glycine.
Molecular consequence: missense variant.
Genome position (GRCh38, 1-based): chr3:114,351,182, T>C on the plus strand (A>G on the coding strand, the complement: ZBTB20 is on the minus strand). VCF-style: chr3-114351182-T-C. GRCh37 (hg19) VCF-style: chr3-114070029-T-C.
Other names: c.896A>G, p.Glu299Gly (NM_001164342.2, NM_001348803.3, NM_001393393.1 and 1 more transcripts); c.677A>G, p.Glu226Gly (NM_001164343.2, NM_001164344.4, NM_001164345.4 and 9 more transcripts); short protein forms E226G, E299G.
Identifiers: ClinVar variation 3368953 (VCV003368953.1).

ClinVar aggregate classification (germline): Uncertain significance (1 of 4 stars; one submission).

Submission:

GeneDx
Classification: Uncertain significance. Last evaluated: 2024-02-06. Review status: criteria provided, single submitter. Criteria: GeneDx Variant Classification Process June 2021. Collection method: clinical testing. Allele origin: germline. Affected: yes.
Comment: Not observed at significant frequency in large population cohorts (gnomAD); In silico analysis supports that this missense variant does not alter protein structure/function; Has not been previously published as pathogenic or benign to our knowledge